The following is an entry in ClinVar:

ClinVar aggregate classification (germline): Uncertain significance (1 of 4 stars; one submission).

gnomAD v4.1: 3 of 1,614,094 alleles (0.00019%); highest among the groups gnomAD compares: Non-Finnish European, 0.00017%; no homozygotes.

Submission:

Labcorp Genetics (formerly Invitae), Labcorp
Classification: Uncertain significance. Last evaluated: 2025-07-20. Review status: criteria provided, single submitter. Criteria: Invitae Variant Classification Sherloc (09022015). Collection method: clinical testing. Allele origin: germline.
Comment: This sequence change replaces asparagine, which is neutral and polar, with serine, which is neutral and polar, at codon 325 of the CDH2 protein (p.Asn325Ser). The frequency data for this variant in the population databases is considered unreliable, as metrics indicate poor data quality at this position in the gnomAD database. This variant has not been reported in the literature in individuals affected with CDH2-related conditions. An algorithm developed to predict the effect of missense changes on protein structure and function (PolyPhen-2) suggests that this variant is likely to be tolerated. In summary, the available evidence is currently insufficient to determine the role of this variant in disease. Therefore, it has been classified as a Variant of Uncertain Significance.

NM_001792.5(CDH2):c.974A>G (p.Asn325Ser)

Gene: CDH2 (cadherin 2; minus strand). Cytogenetic location: 18q12.1.
Variant type: single nucleotide variant.
Coding change: c.974A>G on transcript NM_001792.5 (MANE Select); coding-DNA position 974, A replaced by G.
Protein change: p.Asn325Ser; replaces asparagine 325 with serine.
Molecular consequence: missense variant.
Genome position (GRCh38, 1-based): chr18:28,003,043, T>C on the plus strand (A>G on the coding strand, the complement: CDH2 is on the minus strand). VCF-style: chr18-28003043-T-C. GRCh37 (hg19) VCF-style: chr18-25583007-T-C.
Other names: c.881A>G, p.Asn294Ser (NM_001308176.2); short protein forms N294S, N325S.
Identifiers: ClinVar variation 4781601 (VCV004781601.1).